The following is an entry in ClinVar:

ClinVar aggregate classification (germline): Conflicting classifications of pathogenicity. Review status: criteria provided, conflicting classifications (1 of 4 stars). 2 submissions from 2 submitters: Uncertain significance (1); Likely benign (1). Last evaluated 2024-08-08.

Conditions:
Hereditary cancer-predisposing syndrome. Also called: Neoplastic Syndromes, Hereditary; Tumor predisposition; Hereditary Cancer Syndrome; Hereditary neoplastic syndrome. Identifiers: Orphanet 140162, MedGen C0027672, MeSH D009386, MONDO:0015356.
Hereditary breast ovarian cancer syndrome. Also called: Hereditary breast and ovarian cancer syndrome; Hereditary breast and/or ovarian cancer syndrome; Hereditary breast and ovarian cancer syndrome (HBOC); Breast and ovarian cancer; BRCA1- and BRCA2-Associated Hereditary Breast and Ovarian Cancer; Hereditary breast and ovarian cancer. Identifiers: Orphanet 145, MedGen C0677776, MeSH D061325, MONDO:0003582. Disease mechanism: loss of function.

Submissions (2):

Labcorp Genetics (formerly Invitae), Labcorp
Classification: Uncertain significance for Hereditary breast ovarian cancer syndrome. Last evaluated: 2024-08-08. Review status: criteria provided, single submitter. Criteria: Invitae Variant Classification Sherloc (09022015). Collection method: clinical testing. Allele origin: germline.
Comment: This sequence change replaces glutamic acid, which is acidic and polar, with alanine, which is neutral and non-polar, at codon 259 of the BRCA1 protein (p.Glu259Ala). This variant is not present in population databases (gnomAD no frequency). This variant has not been reported in the literature in individuals affected with BRCA1-related conditions. ClinVar contains an entry for this variant (Variation ID: 998562). Advanced modeling of protein sequence and biophysical properties (such as structural, functional, and spatial information, amino acid conservation, physicochemical variation, residue mobility, and thermodynamic stability) performed at Invitae indicates that this missense variant is not expected to disrupt BRCA1 protein function with a negative predictive value of 95%. In summary, the available evidence is currently insufficient to determine the role of this variant in disease. Therefore, it has been classified as a Variant of Uncertain Significance.

University of Washington Department of Laboratory Medicine, University of Washington
Classification: Likely benign for Hereditary cancer-predisposing syndrome. Last evaluated: 2023-03-23. Review status: criteria provided, single submitter. Criteria: Dines et al. (Genet Med. 2020). Collection method: curation. Allele origin: germline.
Comment: Missense variant in a coldspot region where missense variants are very unlikely to be pathogenic (PMID:31911673).

BRCA1 coldspot (exon 11 using historical exon numbering). Reclassification based on statistical prior probability

NM_007294.4(BRCA1):c.776A>C (p.Glu259Ala)

Gene: BRCA1 (BRCA1 DNA repair associated; minus strand). Cytogenetic location: 17q21.31.
Variant type: single nucleotide variant.
Coding change: c.776A>C on transcript NM_007294.4 (MANE Select); coding-DNA position 776, A replaced by C.
Protein change: p.Glu259Ala; replaces glutamic acid 259 with alanine.
Molecular consequence: missense variant. On other transcripts: non-coding transcript variant (1).
Genome position (GRCh38, 1-based): chr17:43,094,755, T>G on the plus strand (A>C on the coding strand, the complement: BRCA1 is on the minus strand). VCF-style: chr17-43094755-T-G. GRCh37 (hg19) VCF-style: chr17-41246772-T-G.
Other names: c.566A>C, p.Glu189Ala (NM_001407907.1, NM_001407908.1, NM_001407909.1 and 25 more transcripts); c.563A>C, p.Glu188Ala (NM_001407915.1, NM_001407916.1, NM_001407917.1 and 12 more transcripts); c.653A>C, p.Glu218Ala (NM_001407919.1, NM_001407937.1, NM_001407938.1 and 34 more transcripts); c.512A>C, p.Glu171Ala (NM_001407920.1, NM_001407921.1, NM_001407922.1 and 15 more transcripts); c.650A>C, p.Glu217Ala (NM_001407940.1, NM_001407941.1, NM_001407649.1 and 20 more transcripts); c.635A>C, p.Glu212Ala (NM_001407942.1, NM_001407944.1, NM_001407945.1 and 43 more transcripts); c.632A>C, p.Glu211Ala (NM_001407943.1, NM_001407740.1, NM_001407741.1 and 26 more transcripts); c.443A>C, p.Glu148Ala (NM_001407946.1, NM_001407947.1, NM_001407948.1 and 7 more transcripts); and 14 more; short protein forms E212A, E259A, E148A, E217A, E232A, E132A, E170A, E171A.
Identifiers: ClinVar variation 998562 (VCV000998562.15), dbSNP rs2054050036, ClinGen allele CA10600530.